The following is an entry in ClinVar:

ClinVar aggregate classification (germline): Uncertain significance (1 of 4 stars; one submission).

Conditions:
Congenital stationary night blindness 1B. Also called: NIGHT BLINDNESS, CONGENITAL STATIONARY, COMPLETE, AUTOSOMAL RECESSIVE; Night blindness, congenital stationary (complete), 1B, autosomal recessive. Identifiers: Orphanet 215, MedGen C1850362, MONDO:0009758, OMIM 257270.

gnomAD v4.1: 1 of 1,613,732 alleles (0.000062%); highest among the groups gnomAD compares: East Asian, 0.0022%; no homozygotes.

Submission:

3billion
Classification: Uncertain significance for Congenital stationary night blindness 1B. Last evaluated: 2024-06-20. Review status: criteria provided, single submitter. Criteria: ACMG Guidelines, 2015. Collection method: clinical testing. Allele origin: germline. Affected: yes.
Comment: The variant is observed at an extremely low frequency in the gnomAD v4.0.0 dataset (total allele frequency: <0.001%). Predicted Consequence/Location: The majority of the known disease-causing variants of this gene are variants expected to result in premature termination of the protein. In silico tool predictions suggest damaging effect of the variant on gene or gene product [REVEL: 0.83 (>=0.6, sensitivity 0.68 and specificity 0.92)]. Therefore, this variant is classified as VUS according to the recommendation of ACMG/AMP guideline.

NM_000843.4(GRM6):c.1175A>T (p.Asp392Val)

Genes: ZNF454 (zinc finger protein 454; plus strand), GRM6 (glutamate metabotropic receptor 6; minus strand). Cytogenetic location: 5q35.3.
Variant type: single nucleotide variant.
Coding change: c.1175A>T on transcript NM_000843.4 (MANE Select); coding-DNA position 1175, A replaced by T.
Protein change: p.Asp392Val; replaces aspartic acid 392 with valine.
Molecular consequence: missense variant.
Genome position (GRCh38, 1-based): chr5:178,989,114, T>A on the plus strand (A>T on the coding strand, the complement: GRM6 is on the minus strand). VCF-style: chr5-178989114-T-A. GRCh37 (hg19) VCF-style: chr5-178416115-T-A.
Other names: short protein forms D392V.
Identifiers: ClinVar variation 4292543 (VCV004292543.1).